The following is an entry in ClinVar:

NM_199420.4(POLQ):c.5816T>C (p.Leu1939Pro)

Gene: POLQ (DNA polymerase theta; minus strand). Cytogenetic location: 3q13.33.
Variant type: single nucleotide variant.
Coding change: c.5816T>C on transcript NM_199420.4 (MANE Select); coding-DNA position 5816, T replaced by C.
Protein change: p.Leu1939Pro; replaces leucine 1939 with proline.
Molecular consequence: missense variant.
Genome position (GRCh38, 1-based): chr3:121,483,540, A>G on the plus strand (T>C on the coding strand, the complement: POLQ is on the minus strand). VCF-style: chr3-121483540-A-G. GRCh37 (hg19) VCF-style: chr3-121202387-A-G.
Other names: short protein forms L1939P.
Identifiers: ClinVar variation 1749865 (VCV001749865.2), dbSNP rs2047987248, ClinGen allele CA354088734.

ClinVar aggregate classification (germline): Uncertain significance (1 of 4 stars; one submission).

gnomAD v4.1: 1 of 1,585,262 alleles (0.000063%); highest among the groups gnomAD compares: Non-Finnish European, 0.000085%; no homozygotes.

Submission:

Ambry Genetics
Classification: Uncertain significance. Last evaluated: 2022-08-10. Review status: criteria provided, single submitter. Criteria: Ambry Variant Classification Scheme 2023. Collection method: clinical testing. Allele origin: germline.
Comment: The p.L1939P variant (also known as c.5816T>C), located in coding exon 18 of the POLQ gene, results from a T to C substitution at nucleotide position 5816. The leucine at codon 1939 is replaced by proline, an amino acid with similar properties. This amino acid position is conserved. In addition, this alteration is predicted to be tolerated by in silico analysis. Since supporting evidence is limited at this time, the clinical significance of this alteration remains unclear.